The following is an entry in ClinVar:

ClinVar aggregate classification (germline): Conflicting classifications of pathogenicity. Review status: criteria provided, conflicting classifications (1 of 4 stars). 3 submissions from 3 submitters: Uncertain significance (2); Likely benign (1). Last evaluated 2026-01-28.

Conditions:
Hereditary spastic paraplegia 30. Identifiers: Orphanet 101010, MedGen C5235139, MONDO:0012476.
Intellectual disability, autosomal dominant 9 (NESCAVS). Also called: NESCAV SYNDROME; KIF1A-Related Neurodevelopmental Disorder. Identifiers: Orphanet 662367, MedGen C5393830, MONDO:0013656, OMIM 614255.
Neuropathy, hereditary sensory, type 2C. Also called: Hereditary sensory and autonomic neuropathy type IIC; KIF1A-Related HSAN2 (HSAN2C). Identifiers: Orphanet 970, MedGen C3280168, MONDO:0013634, OMIM 614213.
Inborn genetic diseases. Identifiers: MedGen C0950123, MeSH D030342.

Allele frequency attached by ClinVar (database versions not stated): gnomAD 0.00001; TOPMed 0.00001.
gnomAD v4.1: 35 of 1,612,504 alleles (0.0022%); highest among the groups gnomAD compares: African/African-American, 0.004%; 1 homozygote.

Submissions (3):

Labcorp Genetics (formerly Invitae), Labcorp
Classification: Likely benign for Hereditary spastic paraplegia 30; Neuropathy, hereditary sensory, type 2C; Intellectual disability, autosomal dominant 9. Last evaluated: 2026-01-28. Review status: criteria provided, single submitter. Criteria: Invitae Variant Classification Sherloc (09022015). Collection method: clinical testing. Allele origin: germline.

Ambry Genetics
Classification: Uncertain significance for Inborn genetic diseases. Last evaluated: 2021-08-26. Review status: criteria provided, single submitter. Criteria: Ambry Variant Classification Scheme 2023. Collection method: clinical testing. Allele origin: germline.
Comment: The c.799-4G>A intronic variant results from a G to A substitution 4 nucleotides upstream from coding exon 8 in the KIF1A gene. This nucleotide position is poorly conserved in available vertebrate species. In silico splice site analysis predicts that this alteration will not have any significant effect on splicing. Since supporting evidence is limited at this time, the clinical significance of this alteration remains unclear.

Athena Diagnostics
Classification: Uncertain significance. Last evaluated: 2020-02-19. Review status: criteria provided, single submitter. Criteria: Athena Diagnostics Criteria. Collection method: clinical testing. Allele origin: unknown.

NM_001244008.2(KIF1A):c.799-4G>A

Gene: KIF1A (kinesin family member 1A; minus strand). Cytogenetic location: 2q37.3.
Variant type: single nucleotide variant.
Coding change: c.799-4G>A on transcript NM_001244008.2 (MANE Select); 4 bases into the intron before coding-DNA position 799, G replaced by A.
Molecular consequence: intron variant.
Genome position (GRCh38, 1-based): chr2:240,783,113, C>T on the plus strand (G>A on the coding strand, the complement: KIF1A is on the minus strand). VCF-style: chr2-240783113-C-T. GRCh37 (hg19) VCF-style: chr2-241722530-C-T.
Other names: c.799-4G>A (NM_001379653.1, NM_001379650.1, NM_001379645.1 and 20 more transcripts).
Identifiers: ClinVar variation 725432 (VCV000725432.14), dbSNP rs759945798, ClinGen allele CA2208645.